The following is an entry in ClinVar:

NM_020975.6(RET):c.1273G>A (p.Val425Ile)

Gene: RET (ret proto-oncogene; plus strand). Cytogenetic location: 10q11.21.
Variant type: single nucleotide variant.
Coding change: c.1273G>A on transcript NM_020975.6 (MANE Select); coding-DNA position 1273, G replaced by A.
Protein change: p.Val425Ile; replaces valine 425 with isoleucine.
Molecular consequence: missense variant.
Genome position (GRCh38, 1-based): chr10:43,111,216, G>A. VCF-style: chr10-43111216-G-A. GRCh37 (hg19) VCF-style: chr10-43606664-G-A.
Other names: c.1273G>A, p.Val425Ile (NM_000323.2, NM_001406743.1, NM_001406744.1 and 6 more transcripts); c.511G>A, p.Val171Ile (NM_001355216.2); c.1144G>A, p.Val382Ile (NM_001406761.1, NM_001406762.1, NM_001406764.1 and 1 more transcripts); c.547G>A, p.Val183Ile (NM_001406775.1, NM_001406776.1, NM_001406777.1 and 1 more transcripts); c.283G>A, p.Val95Ile (NM_001406784.1); c.985G>A, p.Val329Ile (NM_001406766.1, NM_001406767.1, NM_001406770.1); c.877G>A, p.Val293Ile (NM_001406769.1, NM_001406772.1); c.835G>A, p.Val279Ile (NM_001406771.1, NM_001406773.1); and 1 more; short protein forms V425I, V171I, V279I, V382I, V183I, V250I, V293I, V329I.
Identifiers: ClinVar variation 477311 (VCV000477311.9), dbSNP rs764558748, ClinGen allele CA376548840.

ClinVar aggregate classification (germline): Uncertain significance (1 of 4 stars; one submission).

Conditions:
Multiple endocrine neoplasia, type 2 (MEN2). Identifiers: Orphanet 653, MedGen C4048306, MONDO:0019003. Disease mechanism: gain of function.

gnomAD v4.1: 1 of 1,613,974 alleles (0.000062%); highest among the groups gnomAD compares: Non-Finnish European, 0.000085%; no homozygotes.

Submission:

Labcorp Genetics (formerly Invitae), Labcorp
Classification: Uncertain significance for Multiple endocrine neoplasia, type 2. Last evaluated: 2017-02-20. Review status: criteria provided, single submitter. Criteria: Invitae Variant Classification Sherloc (09022015). Collection method: clinical testing. Allele origin: germline.
Comment: In summary, this variant is a novel missense change that is not predicted to affect protein function. There is no indication that it causes disease, but the available evidence is currently insufficient to prove that conclusively. Therefore, it has been classified as a Variant of Uncertain Significance. Algorithms developed to predict the effect of missense changes on protein structure and function (SIFT, PolyPhen-2, Align-GVGD) all suggest that this variant is likely to be tolerated, but these predictions have not been confirmed by published functional studies. This variant is not present in population databases (ExAC no frequency) and has not been reported in the literature in individuals with a RET-related disease. This sequence change replaces valine with isoleucine at codon 425 of the RET protein (p.Val425Ile). The valine residue is moderately conserved and there is a small physicochemical difference between valine and isoleucine.